The following is an entry in ClinVar:

NM_001903.5(CTNNA1):c.1502C>A (p.Ala501Asp)

Gene: CTNNA1 (catenin alpha 1; plus strand). Cytogenetic location: 5q31.2.
Variant type: single nucleotide variant.
Coding change: c.1502C>A on transcript NM_001903.5 (MANE Select); coding-DNA position 1502, C replaced by A.
Protein change: p.Ala501Asp; replaces alanine 501 with aspartic acid.
Molecular consequence: missense variant.
Genome position (GRCh38, 1-based): chr5:138,917,854, C>A. VCF-style: chr5-138917854-C-A. GRCh37 (hg19) VCF-style: chr5-138253543-C-A.
Other names: c.1502C>A, p.Ala501Asp (NM_001290307.3, NM_001323982.2, NM_001323983.1 and 2 more transcripts); c.1193C>A, p.Ala398Asp (NM_001290309.3); c.1133C>A, p.Ala378Asp (NM_001290310.3); c.392C>A, p.Ala131Asp (NM_001290312.1, NM_001323987.1, NM_001323988.1 and 17 more transcripts); c.1409C>A, p.Ala470Asp (NM_001323986.2); c.53C>A, p.Ala18Asp (NM_001324006.1, NM_001324007.1, NM_001324008.1 and 2 more transcripts); c.299C>A, p.Ala100Asp (NM_001324011.1); c.149C>A, p.Ala50Asp (NM_001324012.1, NM_001324013.1); short protein forms A18D, A501D, A131D, A398D, A470D, A50D, A100D, A378D.
Identifiers: ClinVar variation 3498215 (VCV003498215.1).

ClinVar aggregate classification (germline): Uncertain significance (1 of 4 stars; one submission).

Conditions:
Hereditary cancer-predisposing syndrome. Also called: Tumor predisposition; Neoplastic Syndromes, Hereditary; Hereditary Cancer Syndrome; Hereditary neoplastic syndrome. Identifiers: Orphanet 140162, MedGen C0027672, MeSH D009386, MONDO:0015356.

Submission:

Ambry Genetics
Classification: Uncertain significance for Hereditary cancer-predisposing syndrome. Last evaluated: 2024-07-26. Review status: criteria provided, single submitter. Criteria: Ambry Variant Classification Scheme 2023. Collection method: clinical testing. Allele origin: germline.
Comment: The p.A501D variant (also known as c.1502C>A), located in coding exon 10 of the CTNNA1 gene, results from a C to A substitution at nucleotide position 1502. The alanine at codon 501 is replaced by aspartic acid, an amino acid with dissimilar properties. This amino acid position is conserved. In addition, this alteration is predicted to be deleterious by in silico analysis. Based on the available evidence, the clinical significance of this variant remains unclear.